The following is an entry in ClinVar:

NC_000017.10:g.(?_3379295)_(3402701_?)dup

Gene: ASPA (aspartoacylase; plus strand). Cytogenetic location: 17p13.2.
Variant type: Duplication.
Identifiers: ClinVar variation 1677108 (VCV001677108.1).

ClinVar aggregate classification (germline): Uncertain significance (1 of 4 stars; one submission).

Submission:

Women's Health and Genetics/Laboratory Corporation of America, LabCorp
Classification: Uncertain significance. Last evaluated: 2022-03-15. Review status: criteria provided, single submitter. Criteria: LabCorp Variant Classification Summary - May 2015. Collection method: clinical testing. Allele origin: germline.
Comment: Variant summary: The variant identified by MLPA or other technology involves the duplication of the full coding sequence (i.e. exons 1-6) of the ASPA gene. A presumed nomenclature of c.(?_-159)_(*319_?)dup has been designated for the purposes of this classification. It has been assumed that this is a tandem duplication in direct orientation (Richardson_GIM_2018, Newman_AJHG_2015). Since the exact breakpoints of this deletion are not known, it might extend beyond the assayed region of the ASPA gene, including other flanking genes. A large (86.5 kbp) duplication variant involving the ASPA gene was found at a frequency of 4.6e-05 in 21694 control chromosomes (i.e. 1 allele, in the gnomAD database, structural variants dataset). The available data on variant occurrences in the general population are insufficient to allow any conclusion about variant significance. To our knowledge, no occurrence of c.(?_-159)_(*319_?)dup in individuals affected with Canavan Disease and no experimental evidence demonstrating its impact on protein function have been reported. No clinical diagnostic laboratories have submitted clinical-significance assessments for this variant to ClinVar after 2014. Based on the evidence outlined above, the variant was classified as uncertain significance.